The following is an entry in ClinVar:

NM_144670.6(A2ML1):c.2492A>G (p.Glu831Gly)

Gene: A2ML1 (alpha-2-macroglobulin like 1; plus strand). Cytogenetic location: 12p13.31.
Variant type: single nucleotide variant.
Coding change: c.2492A>G on transcript NM_144670.6 (MANE Select); coding-DNA position 2492, A replaced by G.
Protein change: p.Glu831Gly; replaces glutamic acid 831 with glycine.
Molecular consequence: missense variant.
Genome position (GRCh38, 1-based): chr12:8,852,238, A>G. VCF-style: chr12-8852238-A-G. GRCh37 (hg19) VCF-style: chr12-9004834-A-G.
Other names: c.1019A>G, p.Glu340Gly (NM_001282424.3); short protein forms E831G, E340G.
Identifiers: ClinVar variation 4759794 (VCV004759794.1).

ClinVar aggregate classification (germline): Uncertain significance (1 of 4 stars; one submission).

gnomAD v4.1: 1 of 1,614,168 alleles (0.000062%); highest among the groups gnomAD compares: South Asian, 0.0011%; no homozygotes.

Submission:

Labcorp Genetics (formerly Invitae), Labcorp
Classification: Uncertain significance. Last evaluated: 2025-08-29. Review status: criteria provided, single submitter. Criteria: Invitae Variant Classification Sherloc (09022015). Collection method: clinical testing. Allele origin: germline.
Comment: This sequence change replaces glutamic acid, which is acidic and polar, with glycine, which is neutral and non-polar, at codon 831 of the A2ML1 protein (p.Glu831Gly). This variant is not present in population databases (gnomAD no frequency). This variant has not been reported in the literature in individuals affected with A2ML1-related conditions. An algorithm developed to predict the effect of missense changes on protein structure and function (PolyPhen-2) suggests that this variant is likely to be disruptive. In summary, the available evidence is currently insufficient to determine the role of this variant in disease. Therefore, it has been classified as a Variant of Uncertain Significance.